The following is an entry in ClinVar:

ClinVar aggregate classification (germline): Likely benign (1 of 4 stars; one submission).

Allele frequency attached by ClinVar (database versions not stated): gnomAD 0.00004; TOPMed 0.00004; ExAC 0.00010; ESP Exome Variant Server 0.00016.
gnomAD v4.1: 126 of 1,613,594 alleles (0.0078%); highest among the groups gnomAD compares: Non-Finnish European, 0.01%; no homozygotes.

Submission:

CeGaT Center for Human Genetics Tuebingen
Classification: Likely benign. Last evaluated: 2022-06-01. Review status: criteria provided, single submitter. Criteria: CeGaT Center For Human Genetics Tuebingen Variant Classification Criteria Version 2. Collection method: clinical testing. Allele origin: germline. Affected: yes. Observed: 1 variant allele.
Comment: ROBO3: BP4, BP7

NM_022370.4(ROBO3):c.916C>A (p.Arg306=)

Gene: ROBO3 (roundabout guidance receptor 3; plus strand). Cytogenetic location: 11q24.2.
Variant type: single nucleotide variant.
Coding change: c.916C>A on transcript NM_022370.4 (MANE Select); coding-DNA position 916, C replaced by A.
Protein change: p.Arg306=; no amino-acid change (arginine 306 retained).
Molecular consequence: synonymous variant.
Genome position (GRCh38, 1-based): chr11:124,870,611, C>A. VCF-style: chr11-124870611-C-A. GRCh37 (hg19) VCF-style: chr11-124740507-C-A.
Identifiers: ClinVar variation 2642500 (VCV002642500.24), dbSNP rs374537906, ClinGen allele CA6343350.